The following is an entry in ClinVar:

ClinVar aggregate classification (germline): Uncertain significance. Review status: criteria provided, multiple submitters, no conflicts (2 of 4 stars). 2 submissions from 2 submitters: Uncertain significance (2). Last evaluated 2024-11-15.

Conditions:
Hereditary cancer-predisposing syndrome. Also called: Tumor predisposition; Hereditary Cancer Syndrome; Neoplastic Syndromes, Hereditary; Hereditary neoplastic syndrome. Identifiers: Orphanet 140162, MedGen C0027672, MeSH D009386, MONDO:0015356.
Retinoblastoma (RB1). Also called: RETINOBLASTOMA, SOMATIC. Identifiers: Orphanet 790, MedGen C0035335, MeSH D012175, MONDO:0008380, OMIM 180200, HP:0009919. Disease mechanism: loss of function. Inheritance: Both sporadic and heritable forms are tested..

Submissions (2):

Ambry Genetics
Classification: Uncertain significance for Hereditary cancer-predisposing syndrome. Last evaluated: 2024-11-15. Review status: criteria provided, single submitter. Criteria: Ambry Variant Classification Scheme 2023. Collection method: clinical testing. Allele origin: germline.
Comment: The p.I185T variant (also known as c.554T>C), located in coding exon 6 of the RB1 gene, results from a T to C substitution at nucleotide position 554. The isoleucine at codon 185 is replaced by threonine, an amino acid with similar properties. This variant was suspected to be the result of a de novo mutation or germline mosaicism in one individual with features consistent with RB1-related hereditary retinoblastoma Blanquet V et al. Hum Mol Genet, 1995 Mar;4:383-8). This amino acid position is well conserved in available vertebrate species. In addition, the in silico prediction for this alteration is inconclusive. Based on the available evidence, the clinical significance of this variant remains unclear.

Labcorp Genetics (formerly Invitae), Labcorp
Classification: Uncertain significance for Retinoblastoma. Last evaluated: 2023-12-11. Review status: criteria provided, single submitter. Criteria: Invitae Variant Classification Sherloc (09022015). Collection method: clinical testing. Allele origin: germline.
Comment: This sequence change replaces isoleucine, which is neutral and non-polar, with threonine, which is neutral and polar, at codon 185 of the RB1 protein (p.Ile185Thr). This variant is not present in population databases (gnomAD no frequency). This missense change has been observed in individual(s) with retinoblastoma (PMID: 7795591). Advanced modeling of protein sequence and biophysical properties (such as structural, functional, and spatial information, amino acid conservation, physicochemical variation, residue mobility, and thermodynamic stability) performed at Invitae indicates that this missense variant is not expected to disrupt RB1 protein function with a negative predictive value of 80%. In summary, the available evidence is currently insufficient to determine the role of this variant in disease. Therefore, it has been classified as a Variant of Uncertain Significance.

Literature cited by the submitters: PubMed 7795591 (cited by Ambry Genetics and Labcorp Genetics (formerly Invitae), Labcorp).

NM_000321.3(RB1):c.554T>C (p.Ile185Thr)

Gene: RB1 (RB transcriptional corepressor 1; plus strand). Cytogenetic location: 13q14.2.
Variant type: single nucleotide variant.
Coding change: c.554T>C on transcript NM_000321.3 (MANE Select); coding-DNA position 554, T replaced by C.
Protein change: p.Ile185Thr; replaces isoleucine 185 with threonine.
Molecular consequence: missense variant.
Genome position (GRCh38, 1-based): chr13:48,348,970, T>C. VCF-style: chr13-48348970-T-C. GRCh37 (hg19) VCF-style: chr13-48923106-T-C.
Other names: c.554T>C, p.Ile185Thr (NM_001407165.1, NM_001407166.1); short protein forms I185T.
Identifiers: ClinVar variation 2736022 (VCV002736022.4), dbSNP rs2542165761, ClinGen allele CA388156907.